The following is an entry in ClinVar:

NM_004656.4(BAP1):c.1624_1625delinsAT (p.Asp542Ile)

Gene: BAP1 (BRCA1 associated deubiquitinase 1; minus strand). Cytogenetic location: 3p21.1.
Variant type: Indel.
Coding change: c.1624_1625delinsAT on transcript NM_004656.4 (MANE Select); coding-DNA positions 1624 to 1625, GA replaced by AT.
Protein change: p.Asp542Ile; replaces aspartic acid 542 with isoleucine.
Molecular consequence: missense variant.
Genome position (GRCh38, 1-based): chr3:52,403,520-52,403,521, TC replaced by AT on the plus strand (GA replaced by AT on the coding strand, the reverse complement: BAP1 is on the minus strand). VCF-style: chr3-52403520-TC-AT. GRCh37 (hg19) VCF-style: chr3-52437536-TC-AT.
Other names: c.1570_1571delinsAT, p.Asp524Ile (NM_001410772.1); short protein forms D524I, D542I.
Identifiers: ClinVar variation 4712385 (VCV004712385.1).
Genomic context (GRCh38, chr3:52,403,520, plus strand): 5'-AGCAGGCCTGTGCTGATGACAGGACCCAGATCACGGACAGCACGGTTGTAGCGTATGCAG[TC>AT]AACACGCAGCAGGCTGTCATCCTCTCCAAAAAGCACCTTGGAGATGTGGGAGGTGACAGG-3'
Protein context (NP_004647.1, residues 532-552): FGEDDSLLRV[Asp542Ile]CIRYNRAVRD

ClinVar aggregate classification (germline): Uncertain significance (1 of 4 stars; one submission).

Conditions:
BAP1-related tumor predisposition syndrome (TPDS1). Also called: Tumor susceptibility linked to germline BAP1 mutations; COMMON Syndrome; TUMOR PREDISPOSITION SYNDROME 1; BAP1 tumor predisposition syndrome. Identifiers: Orphanet 289539, MedGen C3280492, MONDO:0013692, OMIM 614327.

Submission:

Labcorp Genetics (formerly Invitae), Labcorp
Classification: Uncertain significance for BAP1-related tumor predisposition syndrome. Last evaluated: 2025-02-05. Review status: criteria provided, single submitter. Criteria: Invitae Variant Classification Sherloc (09022015). Collection method: clinical testing. Allele origin: germline.
Comment: This sequence change replaces aspartic acid, which is acidic and polar, with isoleucine, which is neutral and non-polar, at codon 542 of the BAP1 protein (p.Asp542Ile). Information on the frequency of this variant in the gnomAD database is not available, as this variant may be reported differently in the database. This variant has not been reported in the literature in individuals affected with BAP1-related conditions. An algorithm developed to predict the effect of missense changes on protein structure and function (PolyPhen-2) suggests that this variant is likely to be disruptive. In summary, the available evidence is currently insufficient to determine the role of this variant in disease. Therefore, it has been classified as a Variant of Uncertain Significance.